The following is an entry in ClinVar:

ClinVar aggregate classification (germline): Uncertain significance (1 of 4 stars; one submission).

Allele frequency attached by ClinVar (database versions not stated): gnomAD exomes below 0.00001.
gnomAD v4.1: 1 of 1,614,130 alleles (0.000062%); highest among the groups gnomAD compares: South Asian, 0.0011%; no homozygotes.

Submission:

Labcorp Genetics (formerly Invitae), Labcorp
Classification: Uncertain significance. Last evaluated: 2024-12-16. Review status: criteria provided, single submitter. Criteria: Invitae Variant Classification Sherloc (09022015). Collection method: clinical testing. Allele origin: germline.
Comment: This sequence change replaces methionine, which is neutral and non-polar, with leucine, which is neutral and non-polar, at codon 90 of the EMC1 protein (p.Met90Leu). This variant is not present in population databases (gnomAD no frequency). This variant has not been reported in the literature in individuals affected with EMC1-related conditions. ClinVar contains an entry for this variant (Variation ID: 2839689). Invitae Evidence Modeling of protein sequence and biophysical properties (such as structural, functional, and spatial information, amino acid conservation, physicochemical variation, residue mobility, and thermodynamic stability) indicates that this missense variant is not expected to disrupt EMC1 protein function with a negative predictive value of 80%. In summary, the available evidence is currently insufficient to determine the role of this variant in disease. Therefore, it has been classified as a Variant of Uncertain Significance.

NM_015047.3(EMC1):c.268A>T (p.Met90Leu)

Gene: EMC1 (ER membrane protein complex subunit 1; minus strand). Cytogenetic location: 1p36.13.
Variant type: single nucleotide variant.
Coding change: c.268A>T on transcript NM_015047.3 (MANE Select); coding-DNA position 268, A replaced by T.
Protein change: p.Met90Leu; replaces methionine 90 with leucine.
Molecular consequence: missense variant. On other transcripts: intron variant (1).
Genome position (GRCh38, 1-based): chr1:19,243,968, T>A on the plus strand (A>T on the coding strand, the complement: EMC1 is on the minus strand). VCF-style: chr1-19243968-T-A. GRCh37 (hg19) VCF-style: chr1-19570462-T-A.
Other names: c.268A>T, p.Met90Leu (NM_001375821.1, NM_001271427.2, NM_001271428.2 and 1 more transcripts); c.221-261A>T (NM_001271429.2); short protein forms M90L.
Identifiers: ClinVar variation 2839689 (VCV002839689.3), dbSNP rs2093620079, ClinGen allele CA338772999.